The following is an entry in ClinVar:

NM_001277313.2(FMN1):c.1740G>A (p.Thr580=)

Gene: FMN1 (formin 1; minus strand). Cytogenetic location: 15q13.3.
Variant type: single nucleotide variant.
Coding change: c.1740G>A on transcript NM_001277313.2 (MANE Select); coding-DNA position 1740, G replaced by A.
Protein change: p.Thr580=; no amino-acid change (threonine 580 retained).
Molecular consequence: synonymous variant.
Genome position (GRCh38, 1-based): chr15:33,153,175, C>T on the plus strand (G>A on the coding strand, the complement: FMN1 is on the minus strand). VCF-style: chr15-33153175-C-T. GRCh37 (hg19) VCF-style: chr15-33445376-C-T.
Other names: c.1740G>A, p.Thr580= (NM_001277314.2).
Identifiers: ClinVar variation 4705475 (VCV004705475.1).

ClinVar aggregate classification (germline): Uncertain significance (1 of 4 stars; one submission).

gnomAD v4.1: 12 of 1,535,974 alleles (0.00078%); highest among the groups gnomAD compares: South Asian, 0.0036%; no homozygotes.

Submission:

Labcorp Genetics (formerly Invitae), Labcorp
Classification: Uncertain significance. Last evaluated: 2025-09-24. Review status: criteria provided, single submitter. Criteria: Invitae Variant Classification Sherloc (09022015). Collection method: clinical testing. Allele origin: germline.
Comment: The FMN1 gene has multiple clinically relevant transcripts. This variant occurs in alternate transcript NM_001277314.1, and corresponds to NM_001103184.3:c.-85291G>A in the primary transcript. This sequence change affects codon 580 of the FMN1 mRNA. It is a 'silent' change, meaning that it does not change the encoded amino acid sequence of the FMN1 protein. This variant is present in population databases (no rsID available, gnomAD 0.01%). This variant has not been reported in the literature in individuals affected with FMN1-related conditions. Experimental studies and prediction algorithms are not available or were not evaluated, and the effect of this variant on mRNA splicing is currently unknown. In summary, the available evidence is currently insufficient to determine the role of this variant in disease. Therefore, it has been classified as a Variant of Uncertain Significance.